The following is an entry in ClinVar:

NM_001267550.2(TTN):c.107217C>A (p.Asn35739Lys)

Genes: TTN-AS1 (TTN antisense RNA 1; plus strand), TTN (titin; minus strand). Cytogenetic location: 2q31.2.
Variant type: single nucleotide variant.
Coding change: c.107217C>A on transcript NM_001267550.2 (MANE Select); coding-DNA position 107217, C replaced by A.
Protein change: p.Asn35739Lys; replaces asparagine 35739 with lysine.
Molecular consequence: missense variant.
Genome position (GRCh38, 1-based): chr2:178,528,534, G>T on the plus strand (C>A on the coding strand, the complement: TTN is on the minus strand). VCF-style: chr2-178528534-G-T. GRCh37 (hg19) VCF-style: chr2-179393261-G-T.
Other names: c.102294C>A, p.Asn34098Lys (NM_001256850.1); c.80022C>A, p.Asn26674Lys (NM_003319.4); c.99513C>A, p.Asn33171Lys (NM_133378.4); c.80397C>A, p.Asn26799Lys (NM_133432.3); c.80598C>A, p.Asn26866Lys (NM_133437.4); short protein forms N26799K, N26866K, N26674K, N33171K, N34098K, N35739K.
Identifiers: ClinVar variation 2046301 (VCV002046301.4), dbSNP rs2468292174, ClinGen allele CA349401564.

ClinVar aggregate classification (germline): Uncertain significance (1 of 4 stars; one submission).

Conditions:
Dilated cardiomyopathy 1G (CMD1G). Identifiers: Orphanet 154, MedGen C1858763, MONDO:0011400, OMIM 604145.
Autosomal recessive limb-girdle muscular dystrophy type 2J (LGMDR10). Also called: Limb-girdle muscular dystrophy, type 2J; MUSCULAR DYSTROPHY, LIMB-GIRDLE, AUTOSOMAL RECESSIVE 10. Identifiers: Orphanet 140922, MedGen C1837342, MONDO:0012127, OMIM 608807.

Submission:

Labcorp Genetics (formerly Invitae), Labcorp
Classification: Uncertain significance for Dilated cardiomyopathy 1G; Autosomal recessive limb-girdle muscular dystrophy type 2J. Last evaluated: 2022-09-04. Review status: criteria provided, single submitter. Criteria: Invitae Variant Classification Sherloc (09022015). Collection method: clinical testing. Allele origin: germline.
Comment: In summary, the available evidence is currently insufficient to determine the role of this variant in disease. Therefore, it has been classified as a Variant of Uncertain Significance. Experimental studies and prediction algorithms are not available or were not evaluated, and the functional significance of this variant is currently unknown. This variant has not been reported in the literature in individuals affected with TTN-related conditions. This variant is not present in population databases (gnomAD no frequency). This variant is located in the M band of TTN (PMID: 25589632). Variants in this region may be relevant for neuromuscular disorders, but have not been definitively shown to cause cardiomyopathy (PMID: 23975875). This sequence change replaces asparagine, which is neutral and polar, with lysine, which is basic and polar, at codon 35739 of the TTN protein (p.Asn35739Lys).

Literature cited by the submitters: PubMed 25589632; PubMed 23975875.